The following is an entry in ClinVar:

ClinVar aggregate classification (germline): Uncertain significance (1 of 4 stars; one submission).

Conditions:
Inborn genetic diseases. Identifiers: MedGen C0950123, MeSH D030342.

Submission:

Ambry Genetics
Classification: Uncertain significance for Inborn genetic diseases. Last evaluated: 2022-06-15. Review status: criteria provided, single submitter. Criteria: Ambry Variant Classification Scheme 2023. Collection method: clinical testing. Allele origin: germline.
Comment: The p.N618Y variant (also known as c.1852A>T), located in coding exon 16 of the LRRK2 gene, results from an A to T substitution at nucleotide position 1852. The asparagine at codon 618 is replaced by tyrosine, an amino acid with dissimilar properties. This amino acid position is conserved. In addition, this alteration is predicted to be tolerated by in silico analysis. Since supporting evidence is limited at this time, the clinical significance of this alteration remains unclear.

NM_198578.4(LRRK2):c.1852A>T (p.Asn618Tyr)

Gene: LRRK2 (leucine rich repeat kinase 2; plus strand). Cytogenetic location: 12q12.
Variant type: single nucleotide variant.
Coding change: c.1852A>T on transcript NM_198578.4 (MANE Select); coding-DNA position 1852, A replaced by T.
Protein change: p.Asn618Tyr; replaces asparagine 618 with tyrosine.
Molecular consequence: missense variant.
Genome position (GRCh38, 1-based): chr12:40,274,904, A>T. VCF-style: chr12-40274904-A-T. GRCh37 (hg19) VCF-style: chr12-40668706-A-T.
Other names: short protein forms N618Y.
Identifiers: ClinVar variation 1781350 (VCV001781350.2), dbSNP rs2499625102, ClinGen allele CA384403413.